The following is an entry in ClinVar:

ClinVar aggregate classification (germline): Conflicting classifications of pathogenicity. Review status: criteria provided, conflicting classifications (1 of 4 stars). 2 submissions from 2 submitters: Uncertain significance (1); Likely benign (1). Last evaluated 2019-11-15.

Conditions:
Microcephalic primordial dwarfism due to ZNF335 deficiency. Also called: Primary autosomal recessive microcephaly 10. Identifiers: Orphanet 329228, MedGen C3554499, MONDO:0014043, OMIM 615095.

Allele frequency attached by ClinVar (database versions not stated): gnomAD 0.00005 and 0.00007; gnomAD exomes 0.00012 and 0.00029; 1000 Genomes Project 30x 0.00031; ExAC 0.00031; 1000 Genomes Project 0.00040.

Submissions (2):

Revvity Omics, Revvity
Classification: Uncertain significance for Microcephalic primordial dwarfism due to ZNF335 deficiency. Last evaluated: 2019-11-15. Review status: criteria provided, single submitter. Criteria: ACMG Guidelines, 2015. Collection method: clinical testing. Allele origin: germline.

GeneDx
Classification: Likely benign. Last evaluated: 2019-03-25. Review status: criteria provided, single submitter. Criteria: GeneDx Variant Classification Process June 2021. Collection method: clinical testing. Allele origin: germline. Affected: yes.
Comment: See Variant Classification Assertion Criteria.

NM_022095.4(ZNF335):c.857G>A (p.Arg286Gln)

Gene: ZNF335 (zinc finger protein 335; minus strand). Cytogenetic location: 20q13.12.
Variant type: single nucleotide variant.
Coding change: c.857G>A on transcript NM_022095.4 (MANE Select); coding-DNA position 857, G replaced by A.
Protein change: p.Arg286Gln; replaces arginine 286 with glutamine.
Molecular consequence: missense variant.
Genome position (GRCh38, 1-based): chr20:45,967,592, C>T on the plus strand (G>A on the coding strand, the complement: ZNF335 is on the minus strand). VCF-style: chr20-45967592-C-T. GRCh37 (hg19) VCF-style: chr20-44596231-C-T.
Other names: short protein forms R286Q.
Identifiers: ClinVar variation 1678808 (VCV001678808.4), dbSNP rs559354455, ClinGen allele CA9885939.